The following is an entry in ClinVar:

ClinVar aggregate classification (germline): Pathogenic (1 of 4 stars; one submission).

Conditions:
Atrial fibrillation, familial, 18 (ATFB18). Identifiers: MedGen C4310636, MONDO:0015001, OMIM 617280.

Allele frequency attached by ClinVar (database versions not stated): gnomAD exomes below 0.00001.
gnomAD v4.1: 2 of 1,614,056 alleles (0.00012%); highest among the groups gnomAD compares: East Asian, 0.0022%; no homozygotes.

Submission:

Labcorp Genetics (formerly Invitae), Labcorp
Classification: Pathogenic for Atrial fibrillation, familial, 18. Last evaluated: 2024-09-15. Review status: criteria provided, single submitter. Criteria: Invitae Variant Classification Sherloc (09022015). Collection method: clinical testing. Allele origin: germline.
Comment: This sequence change creates a premature translational stop signal (p.Gln178*) in the MYL4 gene. It is expected to result in an absent or disrupted protein product. Loss-of-function variants in MYL4 are known to be pathogenic (PMID: 25807286, 27742809). This variant is not present in population databases (gnomAD no frequency). This variant has not been reported in the literature in individuals affected with MYL4-related conditions. ClinVar contains an entry for this variant (Variation ID: 2053340). Algorithms developed to predict the effect of sequence changes on RNA splicing suggest that this variant may disrupt the consensus splice site. For these reasons, this variant has been classified as Pathogenic.

Literature cited by the submitters: PubMed 25807286; PubMed 27742809.

NM_002476.2(MYL4):c.532C>T (p.Gln178Ter)

Gene: MYL4 (myosin light chain 4; plus strand). Cytogenetic location: 17q21.32.
Variant type: single nucleotide variant.
Coding change: c.532C>T on transcript NM_002476.2 (MANE Select); coding-DNA position 532, C replaced by T.
Protein change: p.Gln178Ter; replaces glutamine 178 with a stop codon.
Molecular consequence: nonsense.
Genome position (GRCh38, 1-based): chr17:47,222,424, C>T. VCF-style: chr17-47222424-C-T. GRCh37 (hg19) VCF-style: chr17-45299790-C-T.
Other names: c.532C>T, p.Gln178Ter (NM_001002841.2); short protein forms Q178*.
Identifiers: ClinVar variation 2053340 (VCV002053340.4), dbSNP rs2547600455, ClinGen allele CA400022970.